The following is an entry in ClinVar:

NM_014270.5(SLC7A9):c.737G>T (p.Arg246Ile)

Gene: SLC7A9 (solute carrier family 7 member 9; minus strand). Cytogenetic location: 19q13.11.
Variant type: single nucleotide variant.
Coding change: c.737G>T on transcript NM_014270.5 (MANE Select); coding-DNA position 737, G replaced by T.
Protein change: p.Arg246Ile; replaces arginine 246 with isoleucine.
Molecular consequence: missense variant.
Genome position (GRCh38, 1-based): chr19:32,860,618, C>A on the plus strand (G>T on the coding strand, the complement: SLC7A9 is on the minus strand). VCF-style: chr19-32860618-C-A. GRCh37 (hg19) VCF-style: chr19-33351524-C-A.
Other names: c.737G>T, p.Arg246Ile (NM_001126335.2, NM_001243036.2); short protein forms R246I.
Identifiers: ClinVar variation 4798437 (VCV004798437.1).

ClinVar aggregate classification (germline): Uncertain significance (1 of 4 stars; one submission).

gnomAD v4.1: 22 of 1,614,142 alleles (0.0014%); highest among the groups gnomAD compares: Middle Eastern, 0.033%; no homozygotes.

Submission:

Labcorp Genetics (formerly Invitae), Labcorp
Classification: Uncertain significance. Last evaluated: 2025-08-05. Review status: criteria provided, single submitter. Criteria: Invitae Variant Classification Sherloc (09022015). Collection method: clinical testing. Allele origin: germline.
Comment: This sequence change replaces arginine, which is basic and polar, with isoleucine, which is neutral and non-polar, at codon 246 of the SLC7A9 protein (p.Arg246Ile). This variant is present in population databases (rs755331994, gnomAD 0.002%). This variant has not been reported in the literature in individuals affected with SLC7A9-related conditions. Invitae Evidence Modeling of protein sequence and biophysical properties (such as structural, functional, and spatial information, amino acid conservation, physicochemical variation, residue mobility, and thermodynamic stability) indicates that this missense variant is not expected to disrupt SLC7A9 protein function with a negative predictive value of 80%. In summary, the available evidence is currently insufficient to determine the role of this variant in disease. Therefore, it has been classified as a Variant of Uncertain Significance.